The following is an entry in ClinVar:

NM_004380.3(CREBBP):c.5105G>T (p.Arg1702Leu)

Gene: CREBBP (CREB binding lysine acetyltransferase; minus strand). Cytogenetic location: 16p13.3.
Variant type: single nucleotide variant.
Coding change: c.5105G>T on transcript NM_004380.3 (MANE Select); coding-DNA position 5105, G replaced by T.
Protein change: p.Arg1702Leu; replaces arginine 1702 with leucine.
Molecular consequence: missense variant.
Genome position (GRCh38, 1-based): chr16:3,731,259, C>A on the plus strand (G>T on the coding strand, the complement: CREBBP is on the minus strand). VCF-style: chr16-3731259-C-A. GRCh37 (hg19) VCF-style: chr16-3781260-C-A.
Other names: c.4991G>T, p.Arg1664Leu (NM_001079846.1); short protein forms R1702L, R1664L.
Identifiers: ClinVar variation 972020 (VCV000972020.10), dbSNP rs1275659601, ClinGen allele CA394558259.

ClinVar aggregate classification (germline): Uncertain significance (1 of 4 stars; one submission).

Conditions:
Rubinstein-Taybi syndrome (RSTS). Identifiers: Orphanet 783, MedGen C0035934, MONDO:0019188.

Submission:

Labcorp Genetics (formerly Invitae), Labcorp
Classification: Uncertain significance for Rubinstein-Taybi syndrome. Last evaluated: 2019-10-17. Review status: criteria provided, single submitter. Criteria: Invitae Variant Classification Sherloc (09022015). Collection method: clinical testing. Allele origin: germline.
Comment: In summary, the available evidence is currently insufficient to determine the role of this variant in disease. Therefore, it has been classified as a Variant of Uncertain Significance. Algorithms developed to predict the effect of missense changes on protein structure and function are either unavailable or do not agree on the potential impact of this missense change (SIFT: "Deleterious"; PolyPhen-2: "Not Available"; Align-GVGD: "Class C65"). This variant has not been reported in the literature in individuals with CREBBP-related conditions. This variant is not present in population databases (ExAC no frequency). This sequence change replaces arginine with leucine at codon 1702 of the CREBBP protein (p.Arg1702Leu). The arginine residue is highly conserved and there is a moderate physicochemical difference between arginine and leucine.